The following is an entry in ClinVar:

ClinVar aggregate classification (germline): Pathogenic. Review status: criteria provided, multiple submitters, no conflicts (2 of 4 stars). 2 submissions from 2 submitters: Pathogenic (2). Last evaluated 2022-07-26.

Conditions:
Developmental and epileptic encephalopathy, 12 (DEE12). Identifiers: MedGen C3150988, MONDO:0013389, OMIM 613722.

Allele frequency attached by ClinVar (database versions not stated): gnomAD exomes below 0.00001 and 0.00001; ExAC 0.00005.
gnomAD v4.1: 7 of 1,568,834 alleles (0.00045%); highest among the groups gnomAD compares: Middle Eastern, 0.017%; no homozygotes.

Submissions (2):

Labcorp Genetics (formerly Invitae), Labcorp
Classification: Pathogenic for Developmental and epileptic encephalopathy, 12. Last evaluated: 2022-07-26. Review status: criteria provided, single submitter. Criteria: Invitae Variant Classification Sherloc (09022015). Collection method: clinical testing. Allele origin: germline.
Comment: For these reasons, this variant has been classified as Pathogenic. Algorithms developed to predict the effect of sequence changes on RNA splicing suggest that this variant may create or strengthen a splice site. ClinVar contains an entry for this variant (Variation ID: 206398). This variant has not been reported in the literature in individuals affected with PNKP-related conditions. The frequency data for this variant in the population databases is considered unreliable, as metrics indicate poor data quality at this position in the gnomAD database. This sequence change creates a premature translational stop signal (p.Trp331*) in the PNKP gene. It is expected to result in an absent or disrupted protein product. Loss-of-function variants in PNKP are known to be pathogenic (PMID: 20118933, 25728773).

GeneDx
Classification: Pathogenic. Last evaluated: 2013-05-09. Review status: criteria provided, single submitter. Criteria: GeneDx Variant Classification (06012015). Collection method: clinical testing. Allele origin: germline. Affected: yes.
Comment: The Trp331Stop nonsense mutation in the PNKP gene is predicted to cause loss of normal protein function either through protein truncation or nonsense-mediated mRNA decay. Although this mutation has not been reported previously to our knowledge, other loss-of-function mutations have been reported in the PNKP gene. Therefore, Trp331Stop is considered a disease-causing mutation. The variant is found in EPILEPSY panel(s).

Literature cited by the submitters: PubMed 20118933 (cited by Labcorp Genetics (formerly Invitae), Labcorp); PubMed 25728773 (cited by Labcorp Genetics (formerly Invitae), Labcorp).

NM_007254.4(PNKP):c.992G>A (p.Trp331Ter)

Gene: PNKP (polynucleotide kinase 3'-phosphatase; minus strand). Cytogenetic location: 19q13.33.
Variant type: single nucleotide variant.
Coding change: c.992G>A on transcript NM_007254.4 (MANE Select); coding-DNA position 992, G replaced by A.
Protein change: p.Trp331Ter; replaces tryptophan 331 with a stop codon.
Molecular consequence: nonsense.
Genome position (GRCh38, 1-based): chr19:49,862,408, C>T on the plus strand (G>A on the coding strand, the complement: PNKP is on the minus strand). VCF-style: chr19-49862408-C-T. GRCh37 (hg19) VCF-style: chr19-50365665-C-T.
Other names: p.W331*:TGG>TAG; short protein forms W331*.
Identifiers: ClinVar variation 206398 (VCV000206398.8), dbSNP rs772727116, ClinGen allele CA316476.
Genomic context (GRCh38, chr19:49,862,408, plus strand): 5'-CCACCCCCGCCCCAGGGCCTCACCGGATCAAAGGCTGGGAGCTCGAAGCCGGCTGCTGGC[C>T]ACTTGAGAAAGAACTCCTCAGGCGTGGCGAAGGGCAGGCCAAGGTTGAGGGCAAACTAGG-3'